The following is an entry in ClinVar:

ClinVar aggregate classification (germline): Likely pathogenic. Review status: criteria provided, multiple submitters, no conflicts (2 of 4 stars). 4 submissions from 4 submitters: Likely pathogenic (4). Last evaluated 2025-02-13.

Conditions:
USH2A-related disorder. Also called: USH2A-related condition; USH2A-related disorders. Identifiers: MedGen CN239332.
Usher syndrome type 2A. Also called: USHER SYNDROME, TYPE IIA; RETINAL DISEASE IN USHER SYNDROME TYPE IIA, MODIFIER OF. Identifiers: Orphanet 231178, Orphanet 886, MedGen C1848634, MONDO:0010169, OMIM 276901.
Retinitis pigmentosa 39 (RP39). Identifiers: Orphanet 791, MedGen C3151138, MONDO:0013436, OMIM 613809.

Submissions (4):

Natera, Inc.
Classification: Likely pathogenic for Usher syndrome type 2A. Last evaluated: 2025-02-13. Review status: criteria provided, single submitter. Criteria: Natera Variant Classification Schema (03/2026). Collection method: clinical testing. Allele origin: germline.
Comment: The c.3811+1G>T variant in USH2A is a canonical splice donor site variant predicted to affect pre-mRNA splicing, which may result in an abnormal transcript and altered protein product. This variant is expected to result in nonsense mediated decay, truncation, or a dysfunctional protein product. This variant is rare in the general population with a frequency below the threshold expected for the associated phenotype(s). Given the available evidence, this variant is classified as Likely Pathogenic.

Blueprint Genetics
Classification: Likely pathogenic for USH2A-related disorders. Last evaluated: 2024-02-14. Review status: criteria provided, single submitter. Criteria: ACMG Guidelines, 2015. Collection method: clinical testing. Allele origin: germline. Affected: yes. Observed: 2 variant alleles.

Labcorp Genetics (formerly Invitae), Labcorp
Classification: Likely pathogenic. Last evaluated: 2023-07-29. Review status: criteria provided, single submitter. Criteria: Invitae Variant Classification Sherloc (09022015). Collection method: clinical testing. Allele origin: germline.
Comment: In summary, the currently available evidence indicates that the variant is pathogenic, but additional data are needed to prove that conclusively. Therefore, this variant has been classified as Likely Pathogenic. Algorithms developed to predict the effect of sequence changes on RNA splicing suggest that this variant may disrupt the consensus splice site. This variant has not been reported in the literature in individuals affected with USH2A-related conditions. This variant is not present in population databases (gnomAD no frequency). This sequence change affects a donor splice site in intron 17 of the USH2A gene. It is expected to disrupt RNA splicing. Variants that disrupt the donor or acceptor splice site typically lead to a loss of protein function (PMID: 16199547), and loss-of-function variants in USH2A are known to be pathogenic (PMID: 10729113, 10909849, 20507924, 25649381).

Baylor Genetics
Classification: Likely pathogenic for Retinitis pigmentosa 39. Last evaluated: 2023-02-23. Review status: criteria provided, single submitter. Criteria: ACMG Guidelines, 2015. Collection method: clinical testing. Allele origin: unknown.

Literature cited by the submitters: PubMed 16199547 (cited by Labcorp Genetics (formerly Invitae), Labcorp); PubMed 10729113 (cited by Labcorp Genetics (formerly Invitae), Labcorp); PubMed 10909849 (cited by Labcorp Genetics (formerly Invitae), Labcorp); PubMed 20507924 (cited by Labcorp Genetics (formerly Invitae), Labcorp); PubMed 25649381 (cited by Labcorp Genetics (formerly Invitae), Labcorp).

NM_206933.4(USH2A):c.3811+1G>T

Genes: USH2A (usherin; minus strand), USH2A-AS1 (USH2A antisense RNA 1; plus strand). Cytogenetic location: 1q41.
Variant type: single nucleotide variant.
Coding change: c.3811+1G>T on transcript NM_206933.4 (MANE Select); the canonical splice donor site of the intron after coding-DNA position 3811, G replaced by T.
Molecular consequence: splice donor variant.
Genome position (GRCh38, 1-based): chr1:216,199,626, C>A on the plus strand (G>T on the coding strand, the complement: USH2A is on the minus strand). VCF-style: chr1-216199626-C-A. GRCh37 (hg19) VCF-style: chr1-216372968-C-A.
Other names: c.3811+1G>T (NM_007123.6, NM_206933.2).
Identifiers: ClinVar variation 2679527 (VCV002679527.6), dbSNP rs2034934856, ClinGen allele CA344867628.